The following is an entry in ClinVar:

NM_002887.4(RARS1):c.999del (p.Glu335fs)

Gene: RARS1 (arginyl-tRNA synthetase 1; plus strand). Cytogenetic location: 5q34.
Variant type: Deletion.
Coding change: c.999del on transcript NM_002887.4 (MANE Select); coding-DNA position 999, one base deleted (A; older notation c.999delA).
Protein change: p.Glu335fs; shifts the reading frame from glutamic acid 335.
Molecular consequence: frameshift variant.
Genome position (GRCh38, 1-based): chr5:168,502,047, A deleted. VCF-style (leftmost placement, unchanged base first): chr5-168502046-GA-G. GRCh37 (hg19) VCF-style: chr5-167929051-GA-G.
Other names: c.999delA (NM_002887.4); short protein forms E335fs.
Identifiers: ClinVar variation 3384892 (VCV003384892.1).
Genomic context (GRCh38, chr5:168,502,046, plus strand): 5'-TATTTTCTTCCCTAGAGTTAAATAAAATCTATGATGCATTGGACGTCTCTTTAATAGAGA[GA>G]GGGGAATCCTTCTATCAAGATAGGATGAATGATATTGTAAAGGAATTTGAAGATAGAGGT-3'

ClinVar aggregate classification (germline): Pathogenic (1 of 4 stars; one submission).

Conditions:
Leukodystrophy, hypomyelinating, 9. Identifiers: Orphanet 438114, MedGen C4015323, MONDO:0014506, OMIM 616140.

Submission:

Women's Health and Genetics/Laboratory Corporation of America, LabCorp
Classification: Pathogenic for Leukodystrophy, hypomyelinating, 9. Last evaluated: 2024-10-07. Review status: criteria provided, single submitter. Criteria: LabCorp Variant Classification Summary - May 2015. Collection method: clinical testing. Allele origin: germline.
Comment: Variant summary: RARS1 c.999delA (p.Glu335AsnfsX8) results in a premature termination codon, predicted to cause absence of the protein due to nonsense mediated decay, which is a commonly known mechanism for disease. The variant was absent in 245326 control chromosomes. To our knowledge, no occurrence of c.999delA in individuals affected with Hypomyelinating Leukodystrophy 9 and no experimental evidence demonstrating its impact on protein function have been reported. No submitters have cited clinical-significance assessments for this variant to ClinVar. Based on the evidence outlined above, the variant was classified as pathogenic.